The following is an entry in ClinVar:

NM_001042681.2(RERE):c.2014C>G (p.Gln672Glu)

Gene: RERE (arginine-glutamic acid dipeptide repeats; minus strand). Cytogenetic location: 1p36.23.
Variant type: single nucleotide variant.
Coding change: c.2014C>G on transcript NM_001042681.2 (MANE Select); coding-DNA position 2014, C replaced by G.
Protein change: p.Gln672Glu; replaces glutamine 672 with glutamic acid.
Molecular consequence: missense variant.
Genome position (GRCh38, 1-based): chr1:8,361,765, G>C on the plus strand (C>G on the coding strand, the complement: RERE is on the minus strand). VCF-style: chr1-8361765-G-C. GRCh37 (hg19) VCF-style: chr1-8421825-G-C.
Other names: c.352C>G, p.Gln118Glu (NM_001042682.2); c.2014C>G, p.Gln672Glu (NM_012102.4); short protein forms Q118E, Q672E.
Identifiers: ClinVar variation 1690448 (VCV001690448.7), dbSNP rs2124370255, ClinGen allele CA338173501.

ClinVar aggregate classification (germline): Uncertain significance. Review status: criteria provided, multiple submitters, no conflicts (2 of 4 stars). 2 submissions from 2 submitters: Uncertain significance (2). Last evaluated 2022-10-02.

Submissions (2):

Labcorp Genetics (formerly Invitae), Labcorp
Classification: Uncertain significance. Last evaluated: 2022-10-02. Review status: criteria provided, single submitter. Criteria: Invitae Variant Classification Sherloc (09022015). Collection method: clinical testing. Allele origin: germline.
Comment: ClinVar contains an entry for this variant (Variation ID: 1690448). This variant has not been reported in the literature in individuals affected with RERE-related conditions. This variant is not present in population databases (gnomAD no frequency). This sequence change replaces glutamine, which is neutral and polar, with glutamic acid, which is acidic and polar, at codon 672 of the RERE protein (p.Gln672Glu). Algorithms developed to predict the effect of missense changes on protein structure and function are either unavailable or do not agree on the potential impact of this missense change (SIFT: "Tolerated"; PolyPhen-2: "Probably Damaging"; Align-GVGD: "Class C0"). In summary, the available evidence is currently insufficient to determine the role of this variant in disease. Therefore, it has been classified as a Variant of Uncertain Significance.

Laboratorio de Genetica e Diagnostico Molecular, Hospital Israelita Albert Einstein
Classification: Uncertain significance. Last evaluated: 2021-09-01. Review status: criteria provided, single submitter. Criteria: ACMG Guidelines, 2015. Collection method: clinical testing. Allele origin: germline. Affected: yes.
Comment: ACMG classification criteria: PM2, BP4